The following is an entry in ClinVar:

NM_018941.4(CLN8):c.598A>G (p.Met200Val)

Gene: CLN8 (CLN8 transmembrane ER and ERGIC protein; plus strand). Cytogenetic location: 8p23.3.
Variant type: single nucleotide variant.
Coding change: c.598A>G on transcript NM_018941.4 (MANE Select); coding-DNA position 598, A replaced by G.
Protein change: p.Met200Val; replaces methionine 200 with valine.
Molecular consequence: missense variant.
Genome position (GRCh38, 1-based): chr8:1,780,304, A>G. VCF-style: chr8-1780304-A-G. GRCh37 (hg19) VCF-style: chr8-1728470-A-G.
Other names: short protein forms M200V.
Identifiers: ClinVar variation 855190 (VCV000855190.6), dbSNP rs749595247, ClinGen allele CA4599317.
Genomic context (GRCh38, chr8:1,780,304, plus strand): 5'-ATGCAGGCGGGCTGGTCCGAGTCTCTGTTTTGGAAGCTCAACCAGTGGCTGATGATTCAC[A>G]TGTTTCACTGCCGCATGGTTCTAACCTACCACATGTGGTGGGTGTGTTTCTGGCACTGGG-3'
Protein context (NP_061764.2, residues 190-210): WKLNQWLMIH[Met200Val]FHCRMVLTYH

ClinVar aggregate classification (germline): Uncertain significance. Review status: criteria provided, single submitter (1 of 4 stars). 2 submissions from 2 submitters: Uncertain significance (1). 1 of the submissions does not count toward it. Last evaluated 2024-05-20.

Conditions:
Neuronal ceroid lipofuscinosis 8 (CLN8). Also called: CLN8-Related Neuronal Ceroid-Lipofuscinosis. Identifiers: Orphanet 168491, Orphanet 228354, Orphanet 79264, MedGen C1838570, MONDO:0010830, OMIM 600143.
Neuronal ceroid lipofuscinosis. Also called: Neuronal Ceroid Lipofuscinoses. Identifiers: Orphanet 216, Orphanet 79263, MedGen C0027877, MONDO:0016295. Disease mechanism: loss of function.

Allele frequency attached by ClinVar (database versions not stated): ExAC 0.00004; gnomAD 0.00002; gnomAD exomes 0.00002; TOPMed 0.00002.
gnomAD v4.1: 17 of 1,614,090 alleles (0.0011%); highest among the groups gnomAD compares: African/African-American, 0.0067%; no homozygotes.

Submissions (2):

Labcorp Genetics (formerly Invitae), Labcorp
Classification: Uncertain significance for Neuronal ceroid lipofuscinosis. Last evaluated: 2024-05-20. Review status: criteria provided, single submitter. Criteria: Invitae Variant Classification Sherloc (09022015). Collection method: clinical testing. Allele origin: germline.
Comment: This sequence change replaces methionine, which is neutral and non-polar, with valine, which is neutral and non-polar, at codon 200 of the CLN8 protein (p.Met200Val). This variant is present in population databases (rs749595247, gnomAD 0.009%). This variant has not been reported in the literature in individuals affected with CLN8-related conditions. ClinVar contains an entry for this variant (Variation ID: 855190). Advanced modeling of protein sequence and biophysical properties (such as structural, functional, and spatial information, amino acid conservation, physicochemical variation, residue mobility, and thermodynamic stability) performed at Invitae indicates that this missense variant is not expected to disrupt CLN8 protein function with a negative predictive value of 80%. In summary, the available evidence is currently insufficient to determine the role of this variant in disease. Therefore, it has been classified as a Variant of Uncertain Significance.

Natera, Inc.
Classification: Uncertain significance for Neuronal ceroid lipofuscinosis 8. Last evaluated: 2020-02-26. Review status: no assertion criteria provided. Collection method: clinical testing. Allele origin: germline. Not counted in ClinVar's aggregate classification.